The following is an entry in ClinVar:

ClinVar aggregate classification (germline): Uncertain significance. Review status: criteria provided, multiple submitters, no conflicts (2 of 4 stars). 4 submissions from 4 submitters: Uncertain significance (4). Last evaluated 2025-12-19.

Conditions:
Autosomal recessive limb-girdle muscular dystrophy type 2J (LGMDR10). Also called: Limb-girdle muscular dystrophy, type 2J; MUSCULAR DYSTROPHY, LIMB-GIRDLE, AUTOSOMAL RECESSIVE 10. Identifiers: Orphanet 140922, MedGen C1837342, MONDO:0012127, OMIM 608807.
Dilated cardiomyopathy 1G (CMD1G). Identifiers: Orphanet 154, MedGen C1858763, MONDO:0011400, OMIM 604145.
Myopathy, myofibrillar, 9, with early respiratory failure (MFM9). Also called: EDSTROM MYOPATHY; MYOPATHY, PROXIMAL, WITH EARLY RESPIRATORY MUSCLE INVOLVEMENT; Hereditary myopathy with early respiratory failure; Myopathy, distal, with early respiratory failure, autosomal dominant. Identifiers: Orphanet 178464, Orphanet 34521, MedGen C1863599, MONDO:0011362, OMIM 603689.
Hypertrophic cardiomyopathy 9. Also called: Familial hypertrophic cardiomyopathy 9. Identifiers: MedGen C1861065, MONDO:0013412, OMIM 613765.
Early-onset myopathy with fatal cardiomyopathy (CMYO5). Also called: Salih Myopathy; CONGENITAL MYOPATHY 5 WITH CARDIOMYOPATHY. Identifiers: Orphanet 289377, MedGen C2673677, MONDO:0012714, OMIM 611705. Disease mechanism: loss of function.
Tibial muscular dystrophy (TMD). Also called: UDD MYOPATHY; Tibial muscular dystrophy, tardive; Udd Distal Myopathy – Tibial Muscular Dystrophy. Identifiers: Orphanet 609, MedGen C1838244, MONDO:0010870, OMIM 600334.

Allele frequency attached by ClinVar (database versions not stated): ExAC 0.00001; gnomAD 0.00001 and 0.00017; gnomAD exomes 0.00001 and 0.00002; TOPMed 0.00030.
gnomAD v4.1: 33 of 1,611,158 alleles (0.002%); highest among the groups gnomAD compares: Admixed American, 0.0017%; no homozygotes.

Submissions (4):

Women's Health and Genetics/Laboratory Corporation of America, LabCorp
Classification: Uncertain significance. Last evaluated: 2025-12-19. Review status: criteria provided, single submitter. Criteria: LabCorp Variant Classification Summary - May 2015. Collection method: clinical testing. Allele origin: germline.

Fulgent Genetics
Classification: Uncertain significance for Tibial muscular dystrophy; Myopathy, myofibrillar, 9, with early respiratory failure; Dilated cardiomyopathy 1G; Autosomal recessive limb-girdle muscular dystrophy type 2J; Early-onset myopathy with fatal cardiomyopathy; Hypertrophic cardiomyopathy 9. Last evaluated: 2021-07-23. Review status: criteria provided, single submitter. Criteria: ACMG Guidelines, 2015. Collection method: clinical testing. Allele origin: unknown.

GeneDx
Classification: Uncertain significance. Last evaluated: 2021-04-14. Review status: criteria provided, single submitter. Criteria: GeneDx Variant Classification Process June 2021. Collection method: clinical testing. Allele origin: germline. Affected: yes.
Comment: Not observed at a significant frequency in large population cohorts (Lek et al., 2016); Missense variant in a gene in which most reported pathogenic variants are truncating/loss-of-function; Has not been previously published as pathogenic or benign to our knowledge

Labcorp Genetics (formerly Invitae), Labcorp
Classification: Uncertain significance for Dilated cardiomyopathy 1G; Autosomal recessive limb-girdle muscular dystrophy type 2J. Last evaluated: 2017-07-21. Review status: criteria provided, single submitter. Criteria: Invitae Variant Classification Sherloc (09022015). Collection method: clinical testing. Allele origin: germline.

NM_001267550.2(TTN):c.58727G>A (p.Arg19576His)

Genes: TTN (titin; minus strand), TTN-AS1 (TTN antisense RNA 1; plus strand). Cytogenetic location: 2q31.2.
Variant type: single nucleotide variant.
Coding change: c.58727G>A on transcript NM_001267550.2 (MANE Select); coding-DNA position 58727, G replaced by A.
Protein change: p.Arg19576His; replaces arginine 19576 with histidine.
Molecular consequence: missense variant.
Genome position (GRCh38, 1-based): chr2:178,593,573, C>T on the plus strand (G>A on the coding strand, the complement: TTN is on the minus strand). VCF-style: chr2-178593573-C-T. GRCh37 (hg19) VCF-style: chr2-179458300-C-T.
Other names: c.53804G>A, p.Arg17935His (NM_001256850.1); c.31532G>A, p.Arg10511His (NM_003319.4); c.51023G>A, p.Arg17008His (NM_133378.4); c.31907G>A, p.Arg10636His (NM_133432.3); c.32108G>A, p.Arg10703His (NM_133437.4); short protein forms R19576H, R17008H, R17935H, R10636H, R10703H, R10511H.
Identifiers: ClinVar variation 467316 (VCV000467316.7), dbSNP rs771668359, ClinGen allele CA1992798.